The following is an entry in ClinVar:

ClinVar aggregate classification (germline): Uncertain significance. Review status: criteria provided, multiple submitters, no conflicts (2 of 4 stars). 2 submissions from 2 submitters: Uncertain significance (2). Last evaluated 2023-10-06.

Allele frequency attached by ClinVar (database versions not stated): gnomAD exomes 0.00001 and 0.00003; ExAC 0.00002.
gnomAD v4.1: 37 of 1,614,176 alleles (0.0023%); highest among the groups gnomAD compares: Non-Finnish European, 0.0031%; no homozygotes.

Submissions (2):

Labcorp Genetics (formerly Invitae), Labcorp
Classification: Uncertain significance. Last evaluated: 2023-10-06. Review status: criteria provided, single submitter. Criteria: Invitae Variant Classification Sherloc (09022015). Collection method: clinical testing. Allele origin: germline.
Comment: This sequence change replaces glutamine, which is neutral and polar, with glutamic acid, which is acidic and polar, at codon 1231 of the ADGRA3 protein (p.Gln1231Glu). This variant is present in population databases (rs749141341, gnomAD 0.002%). This variant has not been reported in the literature in individuals affected with ADGRA3-related conditions. ClinVar contains an entry for this variant (Variation ID: 998682). An algorithm developed to predict the effect of missense changes on protein structure and function (PolyPhen-2) suggests that this variant is likely to be tolerated. In summary, the available evidence is currently insufficient to determine the role of this variant in disease. Therefore, it has been classified as a Variant of Uncertain Significance.

Ambry Genetics
Classification: Uncertain significance. Last evaluated: 2023-03-24. Review status: criteria provided, single submitter. Criteria: Ambry Variant Classification Scheme 2023. Collection method: clinical testing. Allele origin: germline.

NM_145290.4(ADGRA3):c.3691C>G (p.Gln1231Glu)

Gene: ADGRA3 (adhesion G protein-coupled receptor A3; minus strand). Cytogenetic location: 4p15.2.
Variant type: single nucleotide variant.
Coding change: c.3691C>G on transcript NM_145290.4 (MANE Select); coding-DNA position 3691, C replaced by G.
Protein change: p.Gln1231Glu; replaces glutamine 1231 with glutamic acid.
Molecular consequence: missense variant.
Genome position (GRCh38, 1-based): chr4:22,387,980, G>C on the plus strand (C>G on the coding strand, the complement: ADGRA3 is on the minus strand). VCF-style: chr4-22387980-G-C. GRCh37 (hg19) VCF-style: chr4-22389603-G-C.
Other names: c.3691C>G (NM_145290.2); short protein forms Q1231E.
Identifiers: ClinVar variation 998682 (VCV000998682.10), dbSNP rs749141341, ClinGen allele CA2873314.